The following is an entry in ClinVar:

ClinVar aggregate classification (germline): Pathogenic (1 of 4 stars; one submission).

Conditions:
Osteogenesis imperfecta type I (OI1). Also called: Osteogenesis imperfecta type 1; Lobstein's Disease; OI, TYPE I; OSTEOGENESIS IMPERFECTA TARDA; OSTEOGENESIS IMPERFECTA WITH BLUE SCLERAE; Lobstein disease. Identifiers: Orphanet 216796, Orphanet 666, MedGen C0023931, MONDO:0008146, OMIM 166200. Disease mechanism: loss of function.

Submission:

Labcorp Genetics (formerly Invitae), Labcorp
Classification: Pathogenic for Osteogenesis imperfecta type I. Last evaluated: 2026-01-07. Review status: criteria provided, single submitter. Criteria: Invitae Variant Classification Sherloc (09022015). Collection method: clinical testing. Allele origin: germline.
Comment: This sequence change creates a premature translational stop signal (p.Gly743Valfs*23) in the COL1A1 gene. It is expected to result in an absent or disrupted protein product. Loss-of-function variants in COL1A1 are known to be pathogenic (PMID: 7942841, 9295084, 9443882). This variant is not present in population databases (gnomAD no frequency). This variant has not been reported in the literature in individuals affected with COL1A1-related conditions. For these reasons, this variant has been classified as Pathogenic.

Literature cited by the submitters: PubMed 7942841; PubMed 9295084; PubMed 9443882.

NM_000088.4(COL1A1):c.2228del (p.Gly743fs)

Gene: COL1A1 (collagen type I alpha 1 chain; minus strand). Cytogenetic location: 17q21.33.
Variant type: Deletion.
Coding change: c.2228del on transcript NM_000088.4 (MANE Select); coding-DNA position 2228, one base deleted (G; older notation c.2228delG).
Protein change: p.Gly743fs; shifts the reading frame from glycine 743.
Molecular consequence: frameshift variant.
Genome position (GRCh38, 1-based): chr17:50,191,390, C deleted on the plus strand (G on the coding strand, the reverse complement: COL1A1 is on the minus strand); the first of 3 consecutive C bases (chr17:50,191,390-50,191,392); deleting any one gives the same sequence. VCF-style (leftmost placement, unchanged base first): chr17-50191389-AC-A. GRCh37 (hg19) VCF-style: chr17-48268750-AC-A.
Other names: short protein forms G743fs.
Identifiers: ClinVar variation 4734902 (VCV004734902.1).